The following is an entry in ClinVar:

NM_201525.4(ADGRG1):c.606_615dup (p.Ser206fs)

Gene: ADGRG1 (adhesion G protein-coupled receptor G1; plus strand). Cytogenetic location: 16q21.
Variant type: Duplication.
Coding change: c.606_615dup on transcript NM_201525.4 (MANE Select); coding-DNA positions 606 to 615, 10 bases duplicated (TGCCCCCGCC; older notation c.606_615dupTGCCCCCGCC).
Protein change: p.Ser206fs; shifts the reading frame from serine 206.
Molecular consequence: frameshift variant. On other transcripts: intron variant (1).
Genome position (GRCh38, 1-based): chr16:57,653,321-57,653,330, TGCCCCCGCC duplicated; duplicating any 10 consecutive bases within chr16:57,653,320-57,653,330 gives the same sequence; the c. name uses the placement nearest the transcript's 3' end. VCF-style (leftmost placement, unchanged base first): chr16-57653319-G-GCTGCCCCCGC. GRCh37 (hg19) VCF-style: chr16-57687231-G-GCTGCCCCCGC.
Other names: c.621_630dup, p.Ser211fs (NM_001370433.1, NM_001145773.3); c.606_615dup, p.Ser206fs (NM_001370434.1, NM_001370435.1, NM_001370436.1 and 16 more transcripts); c.450_459dup, p.Ser154fs (NM_001370442.1); c.81_90dup, p.Ser31fs (NM_001370451.1, NM_001370453.1, NM_001370454.1 and 2 more transcripts); c.111-665_111-656dup (NM_001290142.2); short protein forms S206fs, S31fs, S211fs, S154fs.
Identifiers: ClinVar variation 2831249 (VCV002831249.3), dbSNP rs2044607222, ClinGen allele CA977708192.
Genomic context (GRCh38, chr16:57,653,319, plus strand): 5'-GACCTCCAGCTGCTCAGCCAGTTCCTGAAGCATCCCCAGAAGGCCTCAAGGAGGCCCTCG[G>GCTGCCCCCGC]CTGCCCCCGCCAGCCAGTAAGTTTGGCACCTGGGGCTGTGAGGGGAGGCAGGAAGGCATC-3'

ClinVar aggregate classification (germline): Pathogenic (1 of 4 stars; one submission).

Submission:

Labcorp Genetics (formerly Invitae), Labcorp
Classification: Pathogenic. Last evaluated: 2023-01-23. Review status: criteria provided, single submitter. Criteria: Invitae Variant Classification Sherloc (09022015). Collection method: clinical testing. Allele origin: germline.
Comment: For these reasons, this variant has been classified as Pathogenic. This variant has not been reported in the literature in individuals affected with ADGRG1-related conditions. This variant is not present in population databases (gnomAD no frequency). This sequence change creates a premature translational stop signal (p.Ser206Cysfs*83) in the ADGRG1 gene. It is expected to result in an absent or disrupted protein product. Loss-of-function variants in ADGRG1 are known to be pathogenic (PMID: 15044805, 20929962).

Literature cited by the submitters: PubMed 15044805; PubMed 20929962.